The following is an entry in ClinVar:

ClinVar aggregate classification (germline): Benign/Likely benign. Review status: criteria provided, multiple submitters, no conflicts (2 of 4 stars). 3 submissions from 3 submitters: Benign (1); Likely benign (2). Last evaluated 2026-01-14.

Conditions:
NBEAL2-related disorder. Also called: NBEAL2-related condition.

Allele frequency attached by ClinVar (database versions not stated): gnomAD 0.00081 and 0.00078; 1000 Genomes Project 30x 0.00094; TOPMed 0.00094; ESP Exome Variant Server 0.00125; gnomAD exomes 0.00008 and 0.00026; ExAC 0.00032; 1000 Genomes Project 0.00080.
gnomAD v4.1: 237 of 1,612,874 alleles (0.015%); highest among the groups gnomAD compares: African/African-American, 0.25%; 2 homozygotes.

Submissions (3):

Labcorp Genetics (formerly Invitae), Labcorp
Classification: Benign. Last evaluated: 2026-01-14. Review status: criteria provided, single submitter. Criteria: Invitae Variant Classification Sherloc (09022015). Collection method: clinical testing. Allele origin: germline.

PreventionGenetics, part of Exact Sciences
Classification: Likely benign for NBEAL2-related condition. Last evaluated: 2025-12-01. Review status: criteria provided, single submitter. Criteria: ACMG Guidelines, 2015. Collection method: clinical testing. Allele origin: germline.
Comment: This variant is classified as likely benign based on ACMG/AMP sequence variant interpretation guidelines (Richards et al. 2015 PMID: 25741868, with internal and published modifications).

Blueprint Genetics
Classification: Likely benign. Last evaluated: 2024-06-27. Review status: criteria provided, single submitter. Criteria: ACMG Guidelines, 2015. Collection method: clinical testing. Allele origin: germline.

NM_015175.3(NBEAL2):c.1752G>A (p.Thr584=)

Gene: NBEAL2 (neurobeachin like 2; plus strand). Cytogenetic location: 3p21.31.
Variant type: single nucleotide variant.
Coding change: c.1752G>A on transcript NM_015175.3 (MANE Select); coding-DNA position 1752, G replaced by A.
Protein change: p.Thr584=; no amino-acid change (threonine 584 retained).
Molecular consequence: synonymous variant.
Genome position (GRCh38, 1-based): chr3:46,995,487, G>A. VCF-style: chr3-46995487-G-A. GRCh37 (hg19) VCF-style: chr3-47036977-G-A.
Other names: c.1650G>A, p.Thr550= (NM_001365116.2).
Identifiers: ClinVar variation 711880 (VCV000711880.7), dbSNP rs201359870, ClinGen allele CA2360449.
Genomic context (GRCh38, chr3:46,995,487, plus strand): 5'-ATTATCAGGCATGGCCAGGCACCAGGGTCCTGCACGTGCTCTGCGCTACTTTGACCTCAC[G>A]CCCAGCATGGCGGGCATCATGGTACCCCCTGTACAGCGATGGCCAGGGCCTGGCTTCACC-3'
Protein context (NP_055990.1, residues 574-594): PARALRYFDL[Thr584=]PSMAGIMVPP